The following is an entry in ClinVar:

NM_000834.5(GRIN2B):c.157G>T (p.Ala53Ser)

Gene: GRIN2B (glutamate ionotropic receptor NMDA type subunit 2B; minus strand). Cytogenetic location: 12p13.1.
Variant type: single nucleotide variant.
Coding change: c.157G>T on transcript NM_000834.5 (MANE Select); coding-DNA position 157, G replaced by T.
Protein change: p.Ala53Ser; replaces alanine 53 with serine.
Molecular consequence: missense variant.
Genome position (GRCh38, 1-based): chr12:13,866,052, C>A on the plus strand (G>T on the coding strand, the complement: GRIN2B is on the minus strand). VCF-style: chr12-13866052-C-A. GRCh37 (hg19) VCF-style: chr12-14018986-C-A.
Other names: c.157G>T, p.Ala53Ser (NM_001413992.1, NM_001413993.1, NM_001413994.1 and 1 more transcripts); short protein forms A53S.
Identifiers: ClinVar variation 2584970 (VCV002584970.1), dbSNP rs2497983980, ClinGen allele CA384054734.

ClinVar aggregate classification (germline): Uncertain significance (1 of 4 stars; one submission).

Conditions:
Developmental and epileptic encephalopathy, 27 (DEE27). Also called: GRIN2B-Related Neurodevelopmental Disorder; Epileptic encephalopathy, early infantile, 27. Identifiers: Orphanet 3451, MedGen C4015316, MONDO:0014505, OMIM 616139.

Submission:

Neuberg Centre For Genomic Medicine, NCGM
Classification: Uncertain significance for Developmental and epileptic encephalopathy, 27. Review status: criteria provided, single submitter. Criteria: ACMG Guidelines, 2015. Collection method: clinical testing. Allele origin: germline. Inheritance: Autosomal dominant inheritance. Affected: yes.
Comment: The missense variant c.157G>T (p.Ala53Ser) in GRIN2B gene has not been reported previously as a pathogenic variant nor as a benign variant, to our knowledge. The p.Ala53Ser variant is novel (not in any individuals) in gnomAD exomes and 1000 Genomes. This variant has not been reported to the ClinVar database. The amino acid Ala at position 53 is changed to a Ser changing protein sequence and it might alter its composition and physico-chemical properties. The amino acid change p.Ala53Ser in GRIN2B is predicted as conserved by GERP++ and PhyloP across 100 vertebrates. For these reasons, this variant has been classified as Uncertain Significance (VUS).